The following is an entry in ClinVar:

ClinVar aggregate classification (germline): Uncertain significance (1 of 4 stars; one submission).

Conditions:
Singleton-Merten syndrome 1 (SGMRT1). Also called: Widened medullary cavities of bone, aortic calcification, abnormal dentition, and muscular weakness; Syndrome of widened medullary cavities of the metacarpals and phalanges, aortic calcification and abnormal dentition. Identifiers: Orphanet 85191, MedGen C4225427, MONDO:0024535, OMIM 182250.
Aicardi-Goutieres syndrome 7 (AGS7). Identifiers: Orphanet 51, MedGen C3888244, MONDO:0014367, OMIM 615846.

Allele frequency attached by ClinVar (database versions not stated): TOPMed below 0.00001; gnomAD 0.00001; gnomAD exomes 0.00001; ExAC 0.00002.
gnomAD v4.1: 5 of 1,611,916 alleles (0.00031%); highest among the groups gnomAD compares: African/African-American, 0.0013%; no homozygotes.

Submission:

Labcorp Genetics (formerly Invitae), Labcorp
Classification: Uncertain significance for Aicardi-Goutieres syndrome 7; Singleton-Merten syndrome 1. Last evaluated: 2024-12-16. Review status: criteria provided, single submitter. Criteria: Invitae Variant Classification Sherloc (09022015). Collection method: clinical testing. Allele origin: germline.
Comment: This sequence change falls in intron 2 of the IFIH1 gene. It does not directly change the encoded amino acid sequence of the IFIH1 protein. It affects a nucleotide within the consensus splice site. This variant is present in population databases (rs754859525, gnomAD 0.0009%). This variant has not been reported in the literature in individuals affected with IFIH1-related conditions. ClinVar contains an entry for this variant (Variation ID: 2067539). Variants that disrupt the consensus splice site are a relatively common cause of aberrant splicing (PMID: 17576681, 9536098). Algorithms developed to predict the effect of sequence changes on RNA splicing suggest that this variant may disrupt the consensus splice site. In summary, the available evidence is currently insufficient to determine the role of this variant in disease. Therefore, it has been classified as a Variant of Uncertain Significance.

Literature cited by the submitters: PubMed 17576681; PubMed 9536098.

NM_022168.4(IFIH1):c.622+3A>G

Gene: IFIH1 (interferon induced with helicase C domain 1; minus strand). Cytogenetic location: 2q24.2.
Variant type: single nucleotide variant.
Coding change: c.622+3A>G on transcript NM_022168.4 (MANE Select); 3 bases into the intron after coding-DNA position 622, A replaced by G.
Molecular consequence: intron variant.
Genome position (GRCh38, 1-based): chr2:162,310,762, T>C on the plus strand (A>G on the coding strand, the complement: IFIH1 is on the minus strand). VCF-style: chr2-162310762-T-C. GRCh37 (hg19) VCF-style: chr2-163167272-T-C.
Identifiers: ClinVar variation 2067539 (VCV002067539.4), dbSNP rs754859525, ClinGen allele CA1934772.